The following is an entry in ClinVar:

ClinVar aggregate classification (germline): Uncertain significance. Review status: criteria provided, multiple submitters, no conflicts (2 of 4 stars). 3 submissions from 3 submitters: Uncertain significance (3). Last evaluated 2025-08-24.

Conditions:
Congenital myopathy 22A, classic (CMYO22A). Identifiers: MedGen C5830453, MONDO:0957247, OMIM 620351.
Hypokalemic periodic paralysis, type 2 (HOKPP2). Identifiers: Orphanet 681, MedGen C2750061, MONDO:0013234, OMIM 613345.
Hyperkalemic periodic paralysis. Also called: Gamstorp disease; Familial hyperkalemic periodic paralysis. Identifiers: Orphanet 682, MedGen C0238357, MONDO:0008224, OMIM 170500, HP:0007215.
Congenital myopathy 22B, severe fetal (CMYO22B). Identifiers: MedGen C5830501, MONDO:0957265, OMIM 620369.
Congenital myasthenic syndrome 16. Identifiers: Orphanet 590, MedGen C3280112, MONDO:0013620, OMIM 614198.
Potassium-aggravated myotonia. Also called: MYOTONIA CONGENITA, ACETAZOLAMIDE-RESPONSIVE; MYOTONIA CONGENITA, ATYPICAL; SODIUM CHANNEL MUSCLE DISEASE; Myotonia congenita, atypical, acetazolamide-responsive. Identifiers: Orphanet 612, Orphanet 99734, Orphanet 99735, Orphanet 99736, MedGen C2931826, MONDO:0018959, OMIM 608390.
Paramyotonia congenita of Von Eulenburg. Also called: PARALYSIS PERIODICA PARAMYOTONICA; Eulenburg disease; Myotonia congenita intermittens; Von Eulenburg paramyotonia congenita; Paramyotonia Congenita. Identifiers: Orphanet 684, MedGen C0221055, MONDO:0008195, OMIM 168300. Disease mechanism: loss of function.
Inborn genetic diseases. Identifiers: MedGen C0950123, MeSH D030342.

gnomAD v4.1: 6 of 1,613,724 alleles (0.00037%); highest among the groups gnomAD compares: South Asian, 0.0066%; no homozygotes.

Submissions (3):

Labcorp Genetics (formerly Invitae), Labcorp
Classification: Uncertain significance for Hyperkalemic periodic paralysis. Last evaluated: 2025-08-24. Review status: criteria provided, single submitter. Criteria: Invitae Variant Classification Sherloc (09022015). Collection method: clinical testing. Allele origin: germline.
Comment: This sequence change replaces proline, which is neutral and non-polar, with serine, which is neutral and polar, at codon 546 of the SCN4A protein (p.Pro546Ser). This variant is present in population databases (rs530774348, gnomAD 0.003%). This variant has not been reported in the literature in individuals affected with SCN4A-related conditions. ClinVar contains an entry for this variant (Variation ID: 3582686). Invitae Evidence Modeling of protein sequence and biophysical properties (such as structural, functional, and spatial information, amino acid conservation, physicochemical variation, residue mobility, and thermodynamic stability) has been performed for this missense variant. However, the output from this modeling did not meet the statistical confidence thresholds required to predict the impact of this variant on SCN4A protein function. In summary, the available evidence is currently insufficient to determine the role of this variant in disease. Therefore, it has been classified as a Variant of Uncertain Significance.

Ambry Genetics
Classification: Uncertain significance for Inborn genetic diseases. Last evaluated: 2025-05-01. Review status: criteria provided, single submitter. Criteria: Ambry Variant Classification Scheme 2023. Collection method: clinical testing. Allele origin: germline.

Fulgent Genetics
Classification: Uncertain significance for Paramyotonia congenita of Von Eulenburg; Hyperkalemic periodic paralysis; Potassium-aggravated myotonia; Hypokalemic periodic paralysis, type 2; Congenital myasthenic syndrome 16; Congenital myopathy 22A, classic; Congenital myopathy 22B, severe fetal. Last evaluated: 2024-04-12. Review status: criteria provided, single submitter. Criteria: ACMG Guidelines, 2015. Collection method: clinical testing. Allele origin: germline.

NM_000334.4(SCN4A):c.1636C>T (p.Pro546Ser)

Gene: SCN4A (sodium voltage-gated channel alpha subunit 4; minus strand). Cytogenetic location: 17q23.3.
Variant type: single nucleotide variant.
Coding change: c.1636C>T on transcript NM_000334.4 (MANE Select); coding-DNA position 1636, C replaced by T.
Protein change: p.Pro546Ser; replaces proline 546 with serine.
Molecular consequence: missense variant.
Genome position (GRCh38, 1-based): chr17:63,961,402, G>A on the plus strand (C>T on the coding strand, the complement: SCN4A is on the minus strand). VCF-style: chr17-63961402-G-A. GRCh37 (hg19) VCF-style: chr17-62038762-G-A.
Other names: short protein forms P546S.
Identifiers: ClinVar variation 3582686 (VCV003582686.3).
Genomic context (GRCh38, chr17:63,961,402, plus strand): 5'-TCAGCCACGGGGCGCAGCAGTTCCATATGAGCACTTTGTGGGCGCACTTGTACCACCATG[G>A]TGGGCACTTTTGGTGGGCCTCTTCCAGTTCTGGGAGAGGGGTGGTAGCAGGTATCTGGTG-3'
Protein context (NP_000325.4, residues 536-556): ELEEAHQKCP[Pro546Ser]WWYKCAHKVL